The following is an entry in ClinVar:

NM_002520.7(NPM1):c.847-6_847-5del

Gene: NPM1 (nucleophosmin 1; plus strand). Cytogenetic location: 5q35.1.
Variant type: Deletion.
Coding change: c.847-6_847-5del on transcript NM_002520.7 (MANE Select); 6 bases into the intron before coding-DNA position 847 through 5 bases into the intron before coding-DNA position 847, 2 bases deleted (TT; older notation c.847-6_847-5delTT).
Molecular consequence: intron variant.
Genome position (GRCh38, 1-based): chr5:171,410,521-171,410,522, TT deleted; deleting any 2 consecutive bases within chr5:171,410,510-171,410,522 gives the same sequence; the c. name uses the placement nearest the transcript's 3' end. VCF-style (leftmost placement, unchanged base first): chr5-171410509-CTT-C. GRCh37 (hg19) VCF-style: chr5-170837513-CTT-C.
Other names: NC_000005.9:g.170837525_170837526del; c.847-6_847-5del (NM_001355006.2); c.760-6_760-5del (NM_199185.4); c.655-6_655-5del (NM_001355007.2); c.466-6_466-5del (NM_001355010.2).
Identifiers: ClinVar variation 3045006 (VCV003045006.3), dbSNP rs34323200, ClinGen allele CA3558826.

ClinVar aggregate classification (germline): Benign (0 of 4 stars; one submission).

Conditions:
NPM1-related disorder. Also called: NPM1-related condition.

Submissions (3):

PreventionGenetics, part of Exact Sciences
Classification: Benign for NPM1-related condition. Last evaluated: 2019-10-28. Review status: no assertion criteria provided. Collection method: clinical testing. Allele origin: germline.
Comment: This variant is classified as benign based on ACMG/AMP sequence variant interpretation guidelines (Richards et al. 2015 PMID: 25741868, with internal and published modifications).

Dr. Peter K. Rogan Lab, Western University
No classification provided (evidence only). Condition: Colon adenocarcinoma. Review status: no classification provided. Collection method: in vitro. Allele origin: not applicable. Functional consequence: retained intron. Not counted in ClinVar's aggregate classification.

Dr. Peter K. Rogan Lab, Western University
No classification provided (evidence only). Condition: Gastric cancer. Review status: no classification provided. Collection method: in vitro. Allele origin: not applicable. Functional consequence: retained intron. Not counted in ClinVar's aggregate classification.